The following is an entry in ClinVar:

NM_000548.5(TSC2):c.4366C>T (p.Leu1456Phe)

Gene: TSC2 (TSC complex subunit 2; plus strand). Cytogenetic location: 16p13.3.
Variant type: single nucleotide variant.
Coding change: c.4366C>T on transcript NM_000548.5 (MANE Select); coding-DNA position 4366, C replaced by T.
Protein change: p.Leu1456Phe; replaces leucine 1456 with phenylalanine.
Molecular consequence: missense variant.
Genome position (GRCh38, 1-based): chr16:2,084,588, C>T. VCF-style: chr16-2084588-C-T. GRCh37 (hg19) VCF-style: chr16-2134589-C-T.
Other names: c.4165C>T, p.Leu1389Phe (NM_001077183.3); c.4297C>T, p.Leu1433Phe (NM_001114382.3); c.4057C>T, p.Leu1353Phe (NM_001318827.2); c.4021C>T, p.Leu1341Phe (NM_001318829.2); c.3634C>T, p.Leu1212Phe (NM_001318831.2); c.4198C>T, p.Leu1400Phe (NM_001318832.2); c.4168C>T, p.Leu1390Phe (NM_001363528.2); c.4234C>T, p.Leu1412Phe (NM_001370404.1); and 1 more; short protein forms L1400F, L1412F, L1212F, L1353F, L1389F, L1390F, L1413F, L1456F.
Identifiers: ClinVar variation 960711 (VCV000960711.12), dbSNP rs1199848222, ClinGen allele CA394301727.

ClinVar aggregate classification (germline): Uncertain significance. Review status: criteria provided, multiple submitters, no conflicts (2 of 4 stars). 3 submissions from 3 submitters: Uncertain significance (3). Last evaluated 2024-06-06.

Conditions:
Hereditary cancer-predisposing syndrome. Also called: Hereditary neoplastic syndrome; Tumor predisposition; Neoplastic Syndromes, Hereditary; Hereditary Cancer Syndrome. Identifiers: Orphanet 140162, MedGen C0027672, MeSH D009386, MONDO:0015356.
Tuberous sclerosis 2 (TSC2). Identifiers: Orphanet 805, MedGen C1860707, MONDO:0013199, OMIM 613254.
Tuberous sclerosis syndrome (TSC). Also called: Tuberous Sclerosis Complex; Tuberous sclerosis. Identifiers: Orphanet 805, MedGen C0041341, MONDO:0001734.

gnomAD v4.1: 11 of 1,605,544 alleles (0.00069%); highest among the groups gnomAD compares: Non-Finnish European, 0.00093%; no homozygotes.

Submissions (3):

Labcorp Genetics (formerly Invitae), Labcorp
Classification: Uncertain significance for Tuberous sclerosis 2. Last evaluated: 2024-06-06. Review status: criteria provided, single submitter. Criteria: Invitae Variant Classification Sherloc (09022015). Collection method: clinical testing. Allele origin: germline.
Comment: This sequence change replaces leucine, which is neutral and non-polar, with phenylalanine, which is neutral and non-polar, at codon 1456 of the TSC2 protein (p.Leu1456Phe). This variant is not present in population databases (gnomAD no frequency). This variant has not been reported in the literature in individuals affected with TSC2-related conditions. ClinVar contains an entry for this variant (Variation ID: 960711). Advanced modeling of protein sequence and biophysical properties (such as structural, functional, and spatial information, amino acid conservation, physicochemical variation, residue mobility, and thermodynamic stability) performed at Invitae indicates that this missense variant is not expected to disrupt TSC2 protein function with a negative predictive value of 95%. In summary, the available evidence is currently insufficient to determine the role of this variant in disease. Therefore, it has been classified as a Variant of Uncertain Significance.

All of Us Research Program, National Institutes of Health
Classification: Uncertain significance for Tuberous sclerosis syndrome. Last evaluated: 2023-11-20. Review status: criteria provided, single submitter. Criteria: ACMG Guidelines, 2015. Collection method: clinical testing. Allele origin: germline. Inheritance: Autosomal dominant inheritance. Observed: 1 variant allele, 1 heterozygote.
Comment: This missense variant replaces leucine with phenylalanine at codon 1456 of the TSC2 protein. Computational prediction suggests that this variant may not impact protein structure and function (internally defined REVEL score threshold <= 0.5, PMID: 27666373). To our knowledge, functional studies have not been reported for this variant. This variant has not been reported in individuals affected with TSC2-related disorders in the literature. This variant has not been identified in the general population by the Genome Aggregation Database (gnomAD). The available evidence is insufficient to determine the role of this variant in disease conclusively. Therefore, this variant is classified as a Variant of Uncertain Significance.

This study involves interpretation of variants in research participants for the purpose of population health screening. Participant phenotype was not available at the time of variant classification. Additional details can be found in publication PMID: 35346344, PMCID: PMC8962531

Ambry Genetics
Classification: Uncertain significance for Hereditary cancer-predisposing syndrome. Last evaluated: 2022-09-20. Review status: criteria provided, single submitter. Criteria: Ambry Variant Classification Scheme 2023. Collection method: clinical testing. Allele origin: germline.
Comment: The p.L1456F variant (also known as c.4366C>T), located in coding exon 33 of the TSC2 gene, results from a C to T substitution at nucleotide position 4366. The leucine at codon 1456 is replaced by phenylalanine, an amino acid with highly similar properties. This amino acid position is conserved. In addition, the in silico prediction for this alteration is inconclusive. Since supporting evidence is limited at this time, the clinical significance of this alteration remains unclear.